The following is an entry in ClinVar:

ClinVar aggregate classification (germline): Pathogenic (1 of 4 stars; one submission).

Conditions:
Cardiac arrhythmia. Also called: Arrhythmia; Cardiac rhythm disease. Identifiers: MedGen C0003811, MONDO:0007263, HP:0011675.

Submission:

GeneDx
Classification: Pathogenic for Cardiac arrhythmia. Last evaluated: 2012-02-10. Review status: criteria provided, single submitter. Criteria: GeneDx Variant Classification (06012015). Collection method: clinical testing. Allele origin: germline. Affected: yes.
Comment: The c.2053delC mutation in the KCNH2 gene has not been reported previously, this mutation causes a shift in reading frame starting at codon Arginine 685, changing it to an Alanine, and creates a premature stop codon at position 29 of the new reading frame, denoted p.R685AfsX29. This mutation is expected to result in an abnormal, truncated protein from this alleles due to mRNA decay. Other frameshift mutations in the KCNH2 gene have been reported in association with LQTS. The variant is found in LQT panel(s).

NM_000238.4(KCNH2):c.2053del (p.Arg685fs)

Gene: KCNH2 (potassium voltage-gated channel subfamily H member 2; minus strand). Cytogenetic location: 7q36.1.
Variant type: Deletion.
Coding change: c.2053del on transcript NM_000238.4 (MANE Select); coding-DNA position 2053, one base deleted (C; older notation c.2053delC).
Protein change: p.Arg685fs; shifts the reading frame from arginine 685.
Molecular consequence: frameshift variant.
Genome position (GRCh38, 1-based): chr7:150,951,013, G deleted on the plus strand (C on the coding strand, the reverse complement: KCNH2 is on the minus strand); the first of 2 consecutive G bases (chr7:150,951,013-150,951,014); deleting either gives the same sequence. VCF-style (leftmost placement, unchanged base first): chr7-150951012-CG-C. GRCh37 (hg19) VCF-style: chr7-150648100-CG-C.
Other names: c.1033del, p.Arg345fs (NM_001204798.2, NM_172057.3); c.1764delC, p.Arg589Alafs (NM_001406753.1, NM_001406756.1); c.1875delC, p.Arg626Alafs (NM_001406755.1); c.1752delC, p.Arg585Alafs (NM_001406757.1); c.2052delC, p.Arg685Alafs (NM_172056.3); short protein forms R685fs, R345fs.
Identifiers: ClinVar variation 200791 (VCV000200791.4), dbSNP rs794728500, ClinGen allele CA006175.